The following is an entry in ClinVar:

NM_001145511.2(NFIA):c.3+4318G>A

Genes: NFIA (nuclear factor I A; plus strand), LOC122056894 (Sharpr-MPRA regulatory region 5981; plus strand). Cytogenetic location: 1p31.3.
Variant type: single nucleotide variant.
Coding change: c.3+4318G>A on transcript NM_001145511.2; 4318 bases into the intron after coding-DNA position 3, G replaced by A.
Molecular consequence: intron variant. On other transcripts: missense variant (1), initiator codon variant (1).
Genome position (GRCh38, 1-based): chr1:61,081,946, G>A. VCF-style: chr1-61081946-G-A. GRCh37 (hg19) VCF-style: chr1-61547618-G-A.
Other names: c.3G>A, p.Met1Ile (NM_001145512.2); short protein forms M1I.
Identifiers: ClinVar variation 3360054 (VCV003360054.1).

ClinVar aggregate classification (germline): Uncertain significance (1 of 4 stars; one submission).

gnomAD v4.1: 1 of 1,550,494 alleles (0.000064%); no homozygotes.

Submission:

GeneDx
Classification: Uncertain significance. Last evaluated: 2023-06-20. Review status: criteria provided, single submitter. Criteria: GeneDx Variant Classification Process June 2021. Collection method: clinical testing. Allele origin: germline. Affected: yes.
Comment: Not observed at significant frequency in large population cohorts (gnomAD); Initiation codon variant in a gene for which loss of function is not a known mechanism of disease; Reported using an alternate transcript of the gene; Has not been previously published as pathogenic or benign to our knowledge